The following is an entry in ClinVar:

ClinVar aggregate classification (germline): Uncertain significance (1 of 4 stars; one submission).

Submission:

Labcorp Genetics (formerly Invitae), Labcorp
Classification: Uncertain significance. Last evaluated: 2021-08-04. Review status: criteria provided, single submitter. Criteria: Invitae Variant Classification Sherloc (09022015). Collection method: clinical testing. Allele origin: germline.
Comment: In summary, the available evidence is currently insufficient to determine the role of this variant in disease. Therefore, it has been classified as a Variant of Uncertain Significance. This sequence change creates a premature translational stop signal (p.Gln83*) in the PDSS2 gene. It is expected to result in an absent or disrupted protein product. However, the current clinical and genetic evidence is not sufficient to establish whether loss-of-function variants in PDSS2 cause disease. This variant is not present in population databases (ExAC no frequency). This variant has not been reported in the literature in individuals affected with PDSS2-related conditions. Algorithms developed to predict the effect of sequence changes on RNA splicing suggest that this variant may create or strengthen a splice site.

NM_020381.4(PDSS2):c.247C>T (p.Gln83Ter)

Gene: PDSS2 (decaprenyl diphosphate synthase subunit 2; minus strand). Cytogenetic location: 6q21.
Variant type: single nucleotide variant.
Coding change: c.247C>T on transcript NM_020381.4 (MANE Select); coding-DNA position 247, C replaced by T.
Protein change: p.Gln83Ter; replaces glutamine 83 with a stop codon.
Molecular consequence: nonsense.
Genome position (GRCh38, 1-based): chr6:107,459,039, G>A on the plus strand (C>T on the coding strand, the complement: PDSS2 is on the minus strand). VCF-style: chr6-107459039-G-A. GRCh37 (hg19) VCF-style: chr6-107780243-G-A.
Other names: short protein forms Q83*.
Identifiers: ClinVar variation 1465566 (VCV001465566.6), dbSNP rs1782154367, ClinGen allele CA365325785.
Genomic context (GRCh38, chr6:107,459,039, plus strand): 5'-GGGTAGCTCACCTGGCTGTGGTAAGCAGAGGGTGCTGAGTGCCCACCAGCTTCCGCACCT[G>A]CATAGCGATGTTGCTGAGCTCGTCGCTCAGCAGGCAGCGAAGGCTCATGAAGGACGTGGG-3'